The following is an entry in ClinVar:

ClinVar aggregate classification (germline): Uncertain significance (1 of 4 stars; one submission).

Conditions:
Charcot-Marie-Tooth disease type 2. Also called: Charcot-Marie-Tooth type 2. Identifiers: Orphanet 64746, MedGen C0270914, MONDO:0018993.

Allele frequency attached by ClinVar (database versions not stated): gnomAD exomes below 0.00001.
gnomAD v4.1: 3 of 1,613,914 alleles (0.00019%); highest among the groups gnomAD compares: Non-Finnish European, 0.00025%; no homozygotes.

Submission:

Labcorp Genetics (formerly Invitae), Labcorp
Classification: Uncertain significance for Charcot-Marie-Tooth disease type 2. Last evaluated: 2023-04-28. Review status: criteria provided, single submitter. Criteria: Invitae Variant Classification Sherloc (09022015). Collection method: clinical testing. Allele origin: germline.
Comment: In summary, the available evidence is currently insufficient to determine the role of this variant in disease. Therefore, it has been classified as a Variant of Uncertain Significance. Advanced modeling of protein sequence and biophysical properties (such as structural, functional, and spatial information, amino acid conservation, physicochemical variation, residue mobility, and thermodynamic stability) has been performed at Invitae for this missense variant, however the output from this modeling did not meet the statistical confidence thresholds required to predict the impact of this variant on MFN2 protein function. ClinVar contains an entry for this variant (Variation ID: 1986133). This variant has not been reported in the literature in individuals affected with MFN2-related conditions. This variant is not present in population databases (gnomAD no frequency). This sequence change replaces glycine, which is neutral and non-polar, with alanine, which is neutral and non-polar, at codon 681 of the MFN2 protein (p.Gly681Ala).

NM_014874.4(MFN2):c.2042G>C (p.Gly681Ala)

Gene: MFN2 (mitofusin 2; plus strand). Cytogenetic location: 1p36.22.
Variant type: single nucleotide variant.
Coding change: c.2042G>C on transcript NM_014874.4 (MANE Select); coding-DNA position 2042, G replaced by C.
Protein change: p.Gly681Ala; replaces glycine 681 with alanine.
Molecular consequence: missense variant.
Genome position (GRCh38, 1-based): chr1:12,007,222, G>C. VCF-style: chr1-12007222-G-C. GRCh37 (hg19) VCF-style: chr1-12067279-G-C.
Other names: c.2042G>C, p.Gly681Ala (NM_001127660.2); short protein forms G681A.
Identifiers: ClinVar variation 1986133 (VCV001986133.4), dbSNP rs1639463734, ClinGen allele CA338451674.
Genomic context (GRCh38, chr1:12,007,222, plus strand): 5'-TCAAGCGCCAGTTTGTGGAGCATGCCAGCGAGAAGCTGCAGCTTGTCATCAGCTACACTG[G>C]CTCCAACTGCAGCCACCAAGTCCAGCAGTGAGTGGCCCTGTCGGACCCCAGCAGGGGACT-3'
Protein context (NP_055689.1, residues 671-691): EKLQLVISYT[Gly681Ala]SNCSHQVQQE